The following is an entry in ClinVar:

ClinVar aggregate classification (germline): Pathogenic/Likely pathogenic. Review status: criteria provided, multiple submitters, no conflicts (2 of 4 stars). 10 submissions from 9 submitters: Pathogenic (5); Likely pathogenic (5). Last evaluated 2025-10-17.

Conditions:
Polycystic kidney disease 4 (PKD4). Also called: POLYCYSTIC KIDNEY DISEASE 4 WITH OR WITHOUT POLYCYSTIC LIVER DISEASE; POLYCYSTIC KIDNEY AND HEPATIC DISEASE 1; POLYCYSTIC KIDNEY DISEASE, INFANTILE, TYPE I; Autosomal Recessive Polycystic Kidney Disease – PKHD1; PKD3. Identifiers: MedGen C4540575, MONDO:0033004, OMIM 263200.
Autosomal recessive polycystic kidney disease (ARPKD). Also called: AR polycystic kidney disease. Identifiers: Orphanet 731, Orphanet 8378, MedGen C0085548, MeSH D017044, MONDO:0009889.

Submissions (10):

Natera, Inc.
Classification: Pathogenic for Autosomal recessive polycystic kidney disease. Last evaluated: 2025-10-17. Review status: criteria provided, single submitter. Criteria: Natera Variant Classification Schema (03/2026). Collection method: clinical testing. Allele origin: germline.
Comment: The c.9559delT variant in PKHD1 is a frameshift variant predicted to shift the reading frame beginning at codon 3187 and leads to a stop codon 33 codons downstream. This variant is expected to result in nonsense mediated decay, truncation, or a dysfunctional protein product. This variant is rare in the general population with a frequency below the threshold expected for the associated phenotype(s). This variant has been observed in one or more individuals affected with the associated recessive disease, as either homozygous or compound heterozygous with a second variant (PMID: 31738409). Given the available evidence, this variant is classified as Pathogenic.

Fulgent Genetics
Classification: Likely pathogenic for Polycystic kidney disease 4. Last evaluated: 2024-06-17. Review status: criteria provided, single submitter. Criteria: ACMG Guidelines, 2015. Collection method: clinical testing. Allele origin: germline.

Revvity Omics, Revvity
Classification: Likely pathogenic for Polycystic kidney disease 4. Last evaluated: 2023-07-11. Review status: criteria provided, single submitter. Criteria: ACMG Guidelines, 2015. Collection method: clinical testing. Allele origin: germline.

Baylor Genetics
Classification: Likely pathogenic for Polycystic kidney disease 4. Last evaluated: 2023-02-22. Review status: criteria provided, single submitter. Criteria: ACMG Guidelines, 2015. Collection method: clinical testing. Allele origin: unknown.

Labcorp Genetics (formerly Invitae), Labcorp
Classification: Pathogenic for Autosomal recessive polycystic kidney disease. Last evaluated: 2022-08-21. Review status: criteria provided, single submitter. Criteria: Invitae Variant Classification Sherloc (09022015). Collection method: clinical testing. Allele origin: germline.
Comment: This sequence change creates a premature translational stop signal (p.Ser3187Leufs*33) in the PKHD1 gene. It is expected to result in an absent or disrupted protein product. Loss-of-function variants in PKHD1 are known to be pathogenic (PMID: 19940839). This variant is not present in population databases (gnomAD no frequency). This variant has not been reported in the literature in individuals affected with PKHD1-related conditions. ClinVar contains an entry for this variant (Variation ID: 208604). For these reasons, this variant has been classified as Pathogenic.

Women's Health and Genetics/Laboratory Corporation of America, LabCorp
Classification: Likely pathogenic for Autosomal recessive polycystic kidney disease. Last evaluated: 2021-10-27. Review status: criteria provided, single submitter. Criteria: LabCorp Variant Classification Summary - May 2015. Collection method: clinical testing. Allele origin: germline.
Comment: Variant summary: PKHD1 c.9559delT (p.Ser3187LeufsX33) results in a premature termination codon, predicted to cause a truncation of the encoded protein or absence of the protein due to nonsense mediated decay, which are commonly known mechanisms for disease. Truncations downstream of this position have been classified as pathogenic by our laboratory. Additionally, trunctations in this gene have been associated with Polycystic Kidney And Hepatic Disease (Denamur_2010). The variant was absent in 250880 control chromosomes (gnomAD). c.9559delT has been reported in the literature in an individual affected with Polycystic Kidney And Hepatic Disease (Mansilla_2021). To our knowledge, no experimental evidence demonstrating an impact on protein function has been reported. Three clinical diagnostic laboratories have submitted clinical-significance assessments for this variant to ClinVar after 2014 and have classified the variant as pathogenic. Based on the evidence outlined above, the variant was classified as likely pathogenic.

Eurofins Ntd Llc (ga)
Classification: Pathogenic. Last evaluated: 2018-03-29. Review status: criteria provided, single submitter. Criteria: EGL ClinVar v180209 classification definitions. Collection method: clinical testing. Allele origin: germline.

Center for Pediatric Genomic Medicine, Children's Mercy Hospital and Clinics
Classification: Pathogenic. Last evaluated: 2015-04-10. Review status: criteria provided, single submitter. Criteria: ACMG Guidelines, 2015. Collection method: clinical testing. Allele origin: germline.

Laboratory for Molecular Medicine, Mass General Brigham Personalized Medicine
Classification: Pathogenic for Polycystic kidney disease, infantile type. Last evaluated: 2014-12-30. Review status: criteria provided, single submitter. Criteria: LMM Criteria. Collection method: clinical testing. Allele origin: germline. Inheritance: Autosomal recessive inheritance. Observed: 1 variant allele. Study: CSER-MedSeq.
Comment: The p.Ser3187LeufsX33 variant in PKHD1 has not been previously reported in individuals with polycystic kidney disease and was absent from large population studies. This variant is predicted to cause a frameshift, which alters the protein’s amino acid sequence beginning at position 3187 and leads to a premature termination codon 33 amino acids downstream. This alteration is then predicted to lead to a truncated or absent protein. Complete loss of PKHD1 function is an established disease mechanism in polycystic kidney disease. In summary, this variant meets our criteria to be classified as pathogenic for polycystic kidney disease in an autosomal recessive manner based upon the predicted impact of the variant.

Baylor Genetics
Classification: Likely pathogenic for Polycystic kidney disease 4. Review status: criteria provided, single submitter. Criteria: ACMG Guidelines, 2015. Collection method: clinical testing. Allele origin: germline.

Literature cited by the submitters: PubMed 31738409 (cited by Natera, Inc. and Women's Health and Genetics/Laboratory Corporation of America, LabCorp); PubMed 19940839 (cited by Labcorp Genetics (formerly Invitae), Labcorp and Women's Health and Genetics/Laboratory Corporation of America, LabCorp).

NM_138694.4(PKHD1):c.9559del (p.Ser3187fs)

Gene: PKHD1 (PKHD1 ciliary IPT domain containing fibrocystin/polyductin; minus strand). Cytogenetic location: 6p12.3.
Variant type: Deletion.
Coding change: c.9559del on transcript NM_138694.4 (MANE Select); coding-DNA position 9559, one base deleted (T; older notation c.9559delT).
Protein change: p.Ser3187fs; shifts the reading frame from serine 3187.
Molecular consequence: frameshift variant.
Genome position (GRCh38, 1-based): chr6:51,748,057, A deleted on the plus strand (T on the coding strand, the reverse complement: PKHD1 is on the minus strand); the first of 4 consecutive A bases (chr6:51,748,057-51,748,060); deleting any one gives the same sequence. VCF-style (leftmost placement, unchanged base first): chr6-51748056-GA-G. GRCh37 (hg19) VCF-style: chr6-51612854-GA-G.
Other names: c.9559del, p.Ser3187fs (NM_170724.3); c.9559del (NM_138694.3); short protein forms S3187fs.
Identifiers: ClinVar variation 208604 (VCV000208604.23), dbSNP rs797045101, ClinGen allele CA276016.